The following is an entry in ClinVar:

ClinVar aggregate classification (germline): Uncertain significance (1 of 4 stars; one submission).

Allele frequency attached by ClinVar (database versions not stated): gnomAD exomes below 0.00001; TOPMed 0.00001; gnomAD 0.00002.

Submission:

Labcorp Genetics (formerly Invitae), Labcorp
Classification: Uncertain significance. Last evaluated: 2021-08-20. Review status: criteria provided, single submitter. Criteria: Invitae Variant Classification Sherloc (09022015). Collection method: clinical testing. Allele origin: germline.
Comment: In summary, the available evidence is currently insufficient to determine the role of this variant in disease. Therefore, it has been classified as a Variant of Uncertain Significance. Experimental studies and prediction algorithms are not available or were not evaluated, and the functional significance of this variant is currently unknown. This variant has not been reported in the literature in individuals affected with CA4-related conditions. This variant is not present in population databases (ExAC no frequency). This sequence change affects the initiator methionine of the CA4 mRNA. The next in-frame methionine is located at codon 3.

NM_000717.5(CA4):c.3G>A (p.Met1Ile)

Gene: CA4 (carbonic anhydrase 4; plus strand). Cytogenetic location: 17q23.1.
Variant type: single nucleotide variant.
Coding change: c.3G>A on transcript NM_000717.5 (MANE Select); coding-DNA position 3, G replaced by A.
Protein change: p.Met1Ile; changes the start codon (methionine 1).
Molecular consequence: missense variant, initiator codon variant. On other transcripts: non-coding transcript variant (1).
Genome position (GRCh38, 1-based): chr17:60,150,037, G>A. VCF-style: chr17-60150037-G-A. GRCh37 (hg19) VCF-style: chr17-58227398-G-A.
Other names: short protein forms M1I.
Identifiers: ClinVar variation 1513812 (VCV001513812.6), dbSNP rs1414235964, ClinGen allele CA400447628.